The following is an entry in ClinVar:

NM_000542.5(SFTPB):c.708C>T (p.Arg236=)

Gene: SFTPB (surfactant protein B; minus strand). Cytogenetic location: 2p11.2.
Variant type: single nucleotide variant.
Coding change: c.708C>T on transcript NM_000542.5 (MANE Select); coding-DNA position 708, C replaced by T.
Protein change: p.Arg236=; no amino-acid change (arginine 236 retained).
Molecular consequence: synonymous variant.
Genome position (GRCh38, 1-based): chr2:85,663,812, G>A on the plus strand (C>T on the coding strand, the complement: SFTPB is on the minus strand). VCF-style: chr2-85663812-G-A. GRCh37 (hg19) VCF-style: chr2-85890935-G-A.
Other names: c.708C>T, p.Arg236= (NM_001367281.2, NM_198843.4).
Identifiers: ClinVar variation 227073 (VCV000227073.21), dbSNP rs367661082, ClinGen allele CA1743949.

ClinVar aggregate classification (germline): Benign/Likely benign. Review status: criteria provided, multiple submitters, no conflicts (2 of 4 stars). 6 submissions from 6 submitters: Benign (4); Likely benign (2). Last evaluated 2025-07-06.

Conditions:
Hereditary pulmonary alveolar proteinosis. Also called: Pulmonary surfactant metabolism dysfunction. Identifiers: Orphanet 264675, MedGen C3711368, MONDO:0012580.
Surfactant metabolism dysfunction, pulmonary, 1. Also called: INTERSTITIAL LUNG DISEASE DUE TO SURFACTANT PROTEIN B DEFICIENCY; INTERSTITIAL LUNG DISEASE, NONSPECIFIC, DUE TO SURFACTANT PROTEIN B DEFICIENCY; PULMONARY ALVEOLAR PROTEINOSIS, CONGENITAL, 1; Pulmonary surfactant protein B, deficiency of; Neonatal acute respiratory distress due to SP-B deficiency. Identifiers: Orphanet 217563, MedGen C1968602, MONDO:0009929, OMIM 265120.

Allele frequency attached by ClinVar (database versions not stated): ESP Exome Variant Server 0.00008; gnomAD 0.00011 and 0.00051; TOPMed 0.00018; gnomAD exomes 0.00119; 1000 Genomes Project 30x 0.00203; ExAC 0.00233; 1000 Genomes Project 0.00240.

Submissions (6):

Labcorp Genetics (formerly Invitae), Labcorp
Classification: Benign. Last evaluated: 2025-07-06. Review status: criteria provided, single submitter. Criteria: Invitae Variant Classification Sherloc (09022015). Collection method: clinical testing. Allele origin: germline.

Blueprint Genetics
Classification: Likely benign. Last evaluated: 2024-10-18. Review status: criteria provided, single submitter. Criteria: ACMG Guidelines, 2015. Collection method: clinical testing. Allele origin: germline.

Ambry Genetics
Classification: Likely benign for Hereditary pulmonary alveolar proteinosis. Last evaluated: 2023-05-05. Review status: criteria provided, single submitter. Criteria: Ambry Variant Classification Scheme 2023. Collection method: clinical testing. Allele origin: germline.

Illumina Laboratory Services, Illumina
Classification: Benign for Surfactant metabolism dysfunction, pulmonary, 1. Last evaluated: 2018-01-13. Review status: criteria provided, single submitter. Criteria: ICSL Variant Classification Criteria 13 December 2019. Collection method: clinical testing. Allele origin: germline.
Comment: This variant was observed in the ICSL laboratory as part of a predisposition screen in an ostensibly healthy population. It had not been previously curated by ICSL or reported in the Human Gene Mutation Database (HGMD: prior to June 1st, 2018), and was therefore a candidate for classification through an automated scoring system. Utilizing variant allele frequency, disease prevalence and penetrance estimates, and inheritance mode, an automated score was calculated to assess if this variant is too frequent to cause the disease. Based on the score and internal cut-off values, a variant classified as benign is not then subjected to further curation. The score for this variant resulted in a classification of benign for this disease.

Laboratory for Molecular Medicine, Mass General Brigham Personalized Medicine
Classification: Benign. Last evaluated: 2016-01-06. Review status: criteria provided, single submitter. Criteria: LMM Criteria. Collection method: clinical testing. Allele origin: germline. Observed: 1 variant allele.
Comment: p.Arg248Arg in exon 8 of SFTPB: This variant is not expected to have clinical si gnificance because it does not alter an amino acid residue and is not located wi thin the splice consensus sequence. It has been identified in 1% of South Asian chromosomes by the Exome Aggregation Consortium (ExAC; dbSNP rs367661082).

Breakthrough Genomics
Classification: Benign. Review status: criteria provided, single submitter. Criteria: ACMG Guidelines, 2015. Collection method: not provided. Allele origin: germline. Inheritance: Autosomal recessive inheritance. Affected: yes.